The following is an entry in ClinVar:

NM_004360.5(CDH1):c.2124T>A (p.Pro708=)

Gene: CDH1 (cadherin 1; plus strand). Cytogenetic location: 16q22.1.
Variant type: single nucleotide variant.
Coding change: c.2124T>A on transcript NM_004360.5 (MANE Select); coding-DNA position 2124, T replaced by A.
Protein change: p.Pro708=; no amino-acid change (proline 708 retained).
Molecular consequence: synonymous variant.
Genome position (GRCh38, 1-based): chr16:68,823,586, T>A. VCF-style: chr16-68823586-T-A. GRCh37 (hg19) VCF-style: chr16-68857489-T-A.
Other names: c.2124T>A (LRG_301t1); c.1941T>A, p.Pro647= (NM_001317184.2); c.576T>A, p.Pro192= (NM_001317185.2); c.159T>A, p.Pro53= (NM_001317186.2).
Identifiers: ClinVar variation 184748 (VCV000184748.20), dbSNP rs786201660, ClinGen allele CA189932.

ClinVar aggregate classification (germline): Benign/Likely benign. Review status: criteria provided, multiple submitters, no conflicts (2 of 4 stars). 5 submissions from 5 submitters: Benign (1); Likely benign (4). Last evaluated 2025-10-23.

Conditions:
Hereditary cancer-predisposing syndrome. Also called: Tumor predisposition; Hereditary Cancer Syndrome; Hereditary neoplastic syndrome; Neoplastic Syndromes, Hereditary. Identifiers: Orphanet 140162, MedGen C0027672, MeSH D009386, MONDO:0015356.
Hereditary diffuse gastric adenocarcinoma (HDGC). Also called: DIFFUSE GASTRIC AND LOBULAR BREAST CANCER SYNDROME. Identifiers: Orphanet 26106, MedGen C1708349, MONDO:0007648, OMIM 137215.

Submissions (5):

Labcorp Genetics (formerly Invitae), Labcorp
Classification: Likely benign for Hereditary diffuse gastric adenocarcinoma. Last evaluated: 2025-10-23. Review status: criteria provided, single submitter. Criteria: Invitae Variant Classification Sherloc (09022015). Collection method: clinical testing. Allele origin: germline.

Myriad Genetics, Inc.
Classification: Benign for Hereditary diffuse gastric adenocarcinoma. Last evaluated: 2024-09-20. Review status: criteria provided, single submitter. Criteria: Myriad Autosomal Dominant, Autosomal Recessive and X-Linked Classification Criteria (2023). Collection method: clinical testing. Allele origin: unknown.
Comment: This variant is considered benign. This variant is a silent/synonymous amino acid change and it is not expected to impact splicing.

Color Diagnostics, LLC DBA Color Health
Classification: Likely benign for Hereditary cancer-predisposing syndrome. Last evaluated: 2018-06-11. Review status: criteria provided, single submitter. Criteria: ACMG Guidelines, 2015. Collection method: clinical testing. Allele origin: germline.

Quest Diagnostics Nichols Institute San Juan Capistrano
Classification: Likely benign. Last evaluated: 2016-11-19. Review status: criteria provided, single submitter. Criteria: Quest Diagnostics criteria. Collection method: clinical testing. Allele origin: germline.

Ambry Genetics
Classification: Likely benign for Hereditary cancer-predisposing syndrome. Last evaluated: 2014-12-22. Review status: criteria provided, single submitter. Criteria: Ambry Variant Classification Scheme 2023. Collection method: clinical testing. Allele origin: germline.